The following is an entry in ClinVar:

NM_000254.3(MTR):c.1033G>A (p.Val345Ile)

Gene: MTR (5-methyltetrahydrofolate-homocysteine methyltransferase; plus strand). Cytogenetic location: 1q43.
Variant type: single nucleotide variant.
Coding change: c.1033G>A on transcript NM_000254.3 (MANE Select); coding-DNA position 1033, G replaced by A.
Protein change: p.Val345Ile; replaces valine 345 with isoleucine.
Molecular consequence: missense variant. On other transcripts: 5 prime UTR variant (1).
Genome position (GRCh38, 1-based): chr1:236,829,226, G>A. VCF-style: chr1-236829226-G-A. GRCh37 (hg19) VCF-style: chr1-236992526-G-A.
Other names: c.1033G>A, p.Val345Ile (NM_001291939.1); c.-76G>A (NM_001291940.2); short protein forms V345I.
Identifiers: ClinVar variation 296557 (VCV000296557.27), dbSNP rs145006491, ClinGen allele CA1473969.
Genomic context (GRCh38, chr1:236,829,226, plus strand): 5'-CAATGTTTCCTCTTTCAACTCAGGGAAATTGCTGAAGCTGTGAAAAATTGTAAGCCTAGA[G>A]TTCCACCTGCCACTGCTTTTGAAGGACATATGTTACTGTCTGGTGAGTCATAAAGACCTG-3'
Protein context (NP_000245.2, residues 335-355): AEAVKNCKPR[Val345Ile]PPATAFEGHM

ClinVar aggregate classification (germline): Benign/Likely benign. Review status: criteria provided, multiple submitters, no conflicts (2 of 4 stars). 7 submissions from 7 submitters: Benign (3); Likely benign (1). 3 of the submissions do not count toward it. Last evaluated 2026-01-28.

Conditions:
Disorders of Intracellular Cobalamin Metabolism. Identifiers: MedGen CN043592.
MTR-related disorder. Also called: MTR-related condition.
Methylcobalamin deficiency type cblG (HMAG). Also called: HOMOCYSTINURIA-MEGALOBLASTIC ANEMIA, cblG TYPE; HOMOCYSTINURIA-MEGALOBLASTIC ANEMIA DUE TO DEFECT IN COBALAMIN METABOLISM, cblG COMPLEMENTATION TYPE; HOMOCYSTINURIA-MEGALOBLASTIC ANEMIA, cblG COMPLEMENTATION TYPE; Functional methionine synthase deficiency type cblG. Identifiers: Orphanet 2170, Orphanet 622, MedGen C1855128, MONDO:0009609, OMIM 250940.

Allele frequency attached by ClinVar (database versions not stated): gnomAD 0.00483 and 0.00514; TOPMed 0.00487; 1000 Genomes Project 0.00499; 1000 Genomes Project 30x 0.00547; ESP Exome Variant Server 0.00554.
gnomAD v4.1: 1,368 of 1,614,010 alleles (0.085%); highest among the groups gnomAD compares: African/African-American, 1.6%; 14 homozygotes.

Submissions (7):

Labcorp Genetics (formerly Invitae), Labcorp
Classification: Benign for Methylcobalamin deficiency type cblG. Last evaluated: 2026-01-28. Review status: criteria provided, single submitter. Criteria: Invitae Variant Classification Sherloc (09022015). Collection method: clinical testing. Allele origin: germline.

ARUP Laboratories, Molecular Genetics and Genomics, ARUP Laboratories
Classification: Likely benign. Last evaluated: 2023-10-20. Review status: criteria provided, single submitter. Criteria: ARUP Molecular Germline Variant Investigation Process 2024. Collection method: clinical testing. Allele origin: germline.

GeneDx
Classification: Benign. Last evaluated: 2020-09-28. Review status: criteria provided, single submitter. Criteria: GeneDx Variant Classification Process June 2021. Collection method: clinical testing. Allele origin: germline. Affected: yes.

Illumina Laboratory Services, Illumina
Classification: Benign for Disorders of Intracellular Cobalamin Metabolism. Last evaluated: 2018-01-13. Review status: criteria provided, single submitter. Criteria: ICSL Variant Classification Criteria 13 December 2019. Collection method: clinical testing. Allele origin: germline.
Comment: This variant was observed in the ICSL laboratory as part of a predisposition screen in an ostensibly healthy population. It had not been previously curated by ICSL or reported in the Human Gene Mutation Database (HGMD: prior to June 1st, 2018), and was therefore a candidate for classification through an automated scoring system. Utilizing variant allele frequency, disease prevalence and penetrance estimates, and inheritance mode, an automated score was calculated to assess if this variant is too frequent to cause the disease. Based on the score and internal cut-off values, a variant classified as benign is not then subjected to further curation. The score for this variant resulted in a classification of benign for this disease.

PreventionGenetics, part of Exact Sciences
Classification: Benign for MTR-related condition. Last evaluated: 2024-04-22. Review status: no assertion criteria provided. Collection method: clinical testing. Allele origin: germline. Not counted in ClinVar's aggregate classification.
Comment: This variant is classified as benign based on ACMG/AMP sequence variant interpretation guidelines (Richards et al. 2015 PMID: 25741868, with internal and published modifications).

Clinical Genetics DNA and cytogenetics Diagnostics Lab, Erasmus MC, Erasmus Medical Center
Classification: Benign. Review status: no assertion criteria provided. Collection method: clinical testing. Allele origin: germline. Affected: yes. Study: VKGL Data-share Consensus. Not counted in ClinVar's aggregate classification.

Clinical Genetics, Academic Medical Center
Classification: Benign. Review status: no assertion criteria provided. Collection method: clinical testing. Allele origin: germline. Affected: yes. Study: VKGL Data-share Consensus. Not counted in ClinVar's aggregate classification.